The following is an entry in ClinVar:

NM_004006.3(DMD):c.10033C>T (p.Arg3345Ter)

Gene: DMD (dystrophin; minus strand). Cytogenetic location: Xp21.2.
Variant type: single nucleotide variant.
Coding change: c.10033C>T on transcript NM_004006.3 (MANE Select); coding-DNA position 10033, C replaced by T.
Protein change: p.Arg3345Ter; replaces arginine 3345 with a stop codon.
Molecular consequence: nonsense.
Genome position (GRCh38, 1-based): chrX:31,180,423, G>A on the plus strand (C>T on the coding strand, the complement: DMD is on the minus strand). VCF-style: chrX-31180423-G-A. GRCh37 (hg19) VCF-style: chrX-31198540-G-A.
Other names: NP_003997.1:p.Arg3345*; c.10009C>T, p.Arg3337Ter (NM_000109.4); c.10021C>T, p.Arg3341Ter (NM_004009.3); c.9664C>T, p.Arg3222Ter (NM_004010.3); c.6010C>T, p.Arg2004Ter (NM_004011.4); c.6001C>T, p.Arg2001Ter (NM_004012.4); c.2653C>T, p.Arg885Ter (NM_004013.3, NM_004020.4, NM_004021.3 and 2 more transcripts); c.1846C>T, p.Arg616Ter (NM_004014.3); and 1 more; short protein forms R3345*, R277*, R3222*, R2001*, R2004*, R3337*, R3341*, R616*.
Identifiers: ClinVar variation 94421 (VCV000094421.62), dbSNP rs398123827, ClinGen allele CA266851.

ClinVar aggregate classification (germline): Pathogenic. Review status: criteria provided, multiple submitters, no conflicts (2 of 4 stars). 9 submissions from 9 submitters: Pathogenic (9). Last evaluated 2026-08-01.

Conditions:
Becker muscular dystrophy, Cardiomyopathy, Duchenne muscular dystrophy, Dystrophin deficiency.
DMD-related disorder. Also called: DMD-related condition.
Duchenne muscular dystrophy (DMD). Also called: MUSCULAR DYSTROPHY, PSEUDOHYPERTROPHIC PROGRESSIVE, DUCHENNE TYPE; Duchenne Muscular Dystrophy (DMD). Identifiers: Orphanet 98896, MedGen C0013264, MONDO:0010679, OMIM 310200.

Submissions (9):

CeGaT Center for Human Genetics Tuebingen
Classification: Pathogenic. Last evaluated: 2026-08-01. Review status: criteria provided, single submitter. Criteria: CeGaT Center For Human Genetics Tuebingen Variant Classification Criteria Version 2. Collection method: clinical testing. Allele origin: germline. Affected: yes. Observed: 4 variant alleles.
Comment: DMD: PVS1, PM2, PS4:Moderate

Natera, Inc.
Classification: Pathogenic for Becker muscular dystrophy, Cardiomyopathy, Duchenne muscular dystrophy, Dystrophin deficiency. Last evaluated: 2025-08-18. Review status: criteria provided, single submitter. Criteria: Natera Variant Classification Schema (03/2026). Collection method: clinical testing. Allele origin: germline.
Comment: The c.10033C>T variant in DMD is a nonsense variant predicted to introduce a stop codon at amino acid 3345. This variant is expected to result in nonsense mediated decay, truncation, or a dysfunctional protein product. This variant is rare in the general population with a frequency below the threshold expected for the associated phenotype(s). This variant has been observed in affected individual(s) with monoallelic occurrence (heterozygous/hemizygous) (PMID: 32559196). Given the available evidence, this variant is classified as Pathogenic.

Institute of Human Genetics, University of Leipzig Medical Center
Classification: Pathogenic for Duchenne muscular dystrophy. Last evaluated: 2025-07-24. Review status: criteria provided, single submitter. Criteria: ACMG Guidelines, 2015. Collection method: clinical testing. Allele origin: de novo. Inheritance: X-linked recessive inheritance. Affected: yes.
Comment: Criteria applied: PVS1,PS4_MOD,PM2_SUP, PS2

Athena Diagnostics
Classification: Pathogenic. Last evaluated: 2025-01-30. Review status: criteria provided, single submitter. Criteria: Athena Diagnostics Criteria. Collection method: clinical testing. Allele origin: unknown.
Comment: This variant is expected to result in the loss of a functional protein. This variant has not been reported in large, multi-ethnic general populations. This variant has been identified in multiple unrelated individuals with clinical features associated with Duchenne muscular dystrophy (DMD), and at least one individual reported with Becker muscular dystrophy (BMD).

Labcorp Genetics (formerly Invitae), Labcorp
Classification: Pathogenic for Duchenne muscular dystrophy. Last evaluated: 2025-01-20. Review status: criteria provided, single submitter. Criteria: Invitae Variant Classification Sherloc (09022015). Collection method: clinical testing. Allele origin: germline.
Comment: This sequence change creates a premature translational stop signal (p.Arg3345*) in the DMD gene. It is expected to result in an absent or disrupted protein product. Loss-of-function variants in DMD are known to be pathogenic (PMID: 16770791, 25007885). This variant is not present in population databases (gnomAD no frequency). This premature translational stop signal has been observed in individuals with Becker or Duchenne muscular dystrophy (PMID: 10909857, 21969337, 23536893). ClinVar contains an entry for this variant (Variation ID: 94421). Algorithms developed to predict the effect of sequence changes on RNA splicing suggest that this variant may disrupt the consensus splice site. For these reasons, this variant has been classified as Pathogenic.

GeneDx
Classification: Pathogenic. Last evaluated: 2023-09-27. Review status: criteria provided, single submitter. Criteria: GeneDx Variant Classification Process June 2021. Collection method: clinical testing. Allele origin: germline. Affected: yes.
Comment: Nonsense variant predicted to result in protein truncation or nonsense mediated decay in a gene for which loss of function is a known mechanism of disease; Based on the understanding of this genetic alteration, it may be amenable to nonsense read-through therapy that is currently available or in clinical trial; Not observed at significant frequency in large population cohorts (gnomAD); This variant is associated with the following publications: (PMID: 17435279, 15643612, 22894145, 25525159, 10909857, 17253928, 14695533, 27593222, 17041906, 31069818, 23536893, 21969337, 32559196, 19602481, 26455815)

Revvity Omics, Revvity
Classification: Pathogenic. Last evaluated: 2023-09-11. Review status: criteria provided, single submitter. Criteria: ACMG Guidelines, 2015. Collection method: clinical testing. Allele origin: germline.

Blueprint Genetics
Classification: Pathogenic for DMD-related disorders. Last evaluated: 2022-12-13. Review status: criteria provided, single submitter. Criteria: ACMG Guidelines, 2015. Collection method: clinical testing. Allele origin: germline. Affected: yes. Observed: 1 variant allele.

Eurofins Ntd Llc (ga)
Classification: Pathogenic. Last evaluated: 2015-02-23. Review status: criteria provided, single submitter. Criteria: EGL Classification Definitions 2015. Collection method: clinical testing. Allele origin: germline. Observed: 3 variant alleles, 3 hemizygotes.

Literature cited by the submitters: PubMed 32559196 (cited by Natera, Inc. and Athena Diagnostics); PubMed 32813700 (cited by Athena Diagnostics); PubMed 10909857 (cited by Athena Diagnostics and Labcorp Genetics (formerly Invitae), Labcorp); PubMed 17253928 (cited by Athena Diagnostics); PubMed 17435279 (cited by Athena Diagnostics); PubMed 29604111 (cited by Athena Diagnostics); PubMed 27357428 (cited by Athena Diagnostics); PubMed 25525159 (cited by Athena Diagnostics); PubMed 11524473 (cited by Athena Diagnostics); PubMed 14695533 (cited by Athena Diagnostics); PubMed 17041906 (cited by Athena Diagnostics); PubMed 19602481 (cited by Athena Diagnostics); PubMed 19937601 (cited by Athena Diagnostics); PubMed 21969337 (cited by Athena Diagnostics and Labcorp Genetics (formerly Invitae), Labcorp); PubMed 22894145 (cited by Athena Diagnostics); PubMed 26743743 (cited by Athena Diagnostics); PubMed 23536893 (cited by Athena Diagnostics and Labcorp Genetics (formerly Invitae), Labcorp); PubMed 26455815 (cited by Athena Diagnostics); PubMed 16770791 (cited by Labcorp Genetics (formerly Invitae), Labcorp); PubMed 25007885 (cited by Labcorp Genetics (formerly Invitae), Labcorp).